The following is an entry in ClinVar:

NM_170682.4(P2RX2):c.906-52G>A

Gene: P2RX2 (purinergic receptor P2X 2; plus strand). Cytogenetic location: 12q24.33.
Variant type: single nucleotide variant.
Coding change: c.906-52G>A on transcript NM_170682.4 (MANE Select); 52 bases into the intron before coding-DNA position 906, G replaced by A.
Molecular consequence: intron variant.
Genome position (GRCh38, 1-based): chr12:132,621,203, G>A. VCF-style: chr12-132621203-G-A. GRCh37 (hg19) VCF-style: chr12-133197789-G-A.
Other names: c.906-52G>A (NM_001282165.2, NM_170683.4, NM_174873.3); c.834-52G>A (NM_016318.4); c.804-52G>A (NM_001282164.2); c.690-52G>A (NM_012226.5); c.630-52G>A (NM_174872.3).
Identifiers: ClinVar variation 683285 (VCV000683285.2), dbSNP rs191630133, ClinGen allele CA246279993.

ClinVar aggregate classification (germline): Likely benign. Review status: criteria provided, multiple submitters, no conflicts (2 of 4 stars). 2 submissions from 2 submitters: Likely benign (2). Last evaluated 2018-06-16.

Allele frequency attached by ClinVar (database versions not stated): 1000 Genomes Project 0.00399; 1000 Genomes Project 30x 0.00453; TOPMed 0.01026; gnomAD 0.01220 and 0.01258; ESP Exome Variant Server 0.01408; gnomAD exomes 0.01705.
gnomAD v4.1: 26,599 of 1,613,876 alleles (1.6%); highest among the groups gnomAD compares: Non-Finnish European, 2%; 319 homozygotes.

Submissions (2):

GeneDx
Classification: Likely benign. Last evaluated: 2018-06-16. Review status: criteria provided, single submitter. Criteria: GeneDx Variant Classification (06012015). Collection method: clinical testing. Allele origin: germline. Affected: yes.
Comment: This variant is considered likely benign or benign based on one or more of the following criteria: it is a conservative change, it occurs at a poorly conserved position in the protein, it is predicted to be benign by multiple in silico algorithms, and/or has population frequency not consistent with disease.

Breakthrough Genomics
Classification: Likely benign. Review status: criteria provided, single submitter. Criteria: ACMG Guidelines, 2015. Collection method: not provided. Allele origin: germline. Inheritance: Autosomal dominant inheritance. Affected: yes.